The following is an entry in ClinVar:

NM_001126108.2(SLC12A3):c.1844C>G (p.Ser615Trp)

Gene: SLC12A3 (solute carrier family 12 member 3; plus strand). Cytogenetic location: 16q13.
Variant type: single nucleotide variant.
Coding change: c.1844C>G on transcript NM_001126108.2 (MANE Select); coding-DNA position 1844, C replaced by G.
Protein change: p.Ser615Trp; replaces serine 615 with tryptophan.
Molecular consequence: missense variant.
Genome position (GRCh38, 1-based): chr16:56,885,283, C>G. VCF-style: chr16-56885283-C-G. GRCh37 (hg19) VCF-style: chr16-56919195-C-G.
Other names: c.1844C>G, p.Ser615Trp (NM_000339.3); c.1841C>G, p.Ser614Trp (NM_001126107.2); short protein forms S614W, S615W.
Identifiers: ClinVar variation 1330263 (VCV001330263.7), dbSNP rs779160677, ClinGen allele CA281505305.

ClinVar aggregate classification (germline): Likely pathogenic. Review status: criteria provided, multiple submitters, no conflicts (2 of 4 stars). 3 submissions from 3 submitters: Likely pathogenic (3). Last evaluated 2024-05-23.

Conditions:
Familial hypokalemia-hypomagnesemia (GTLMNS). Also called: gitelman syndrome; HYPOMAGNESEMIA-HYPOKALEMIA, PRIMARY RENOTUBULAR, WITH HYPOCALCIURIA; POTASSIUM AND MAGNESIUM DEPLETION. Identifiers: Orphanet 358, MedGen C0268450, MONDO:0009904, OMIM 263800.

gnomAD v4.1: 3 of 1,553,188 alleles (0.00019%); highest among the groups gnomAD compares: Non-Finnish European, 0.00026%; no homozygotes.

Submissions (3):

Fulgent Genetics
Classification: Likely pathogenic for Familial hypokalemia-hypomagnesemia. Last evaluated: 2024-05-23. Review status: criteria provided, single submitter. Criteria: ACMG Guidelines, 2015. Collection method: clinical testing. Allele origin: germline.

Labcorp Genetics (formerly Invitae), Labcorp
Classification: Likely pathogenic. Last evaluated: 2022-04-26. Review status: criteria provided, single submitter. Criteria: Invitae Variant Classification Sherloc (09022015). Collection method: clinical testing. Allele origin: germline.
Comment: ClinVar contains an entry for this variant (Variation ID: 1330263). This missense change has been observed in individual(s) with clinical features of SLC12A3-related conditions (PMID: 12112667). Advanced modeling of protein sequence and biophysical properties (such as structural, functional, and spatial information, amino acid conservation, physicochemical variation, residue mobility, and thermodynamic stability) performed at Invitae indicates that this missense variant is expected to disrupt SLC12A3 protein function. This variant disrupts the p.Ser615 amino acid residue in SLC12A3. Other variant(s) that disrupt this residue have been determined to be pathogenic (PMID: 11168953, 20552229, 22728489, 27303630, 30596175). This suggests that this residue is clinically significant, and that variants that disrupt this residue are likely to be disease-causing. In summary, the currently available evidence indicates that the variant is pathogenic, but additional data are needed to prove that conclusively. Therefore, this variant has been classified as Likely Pathogenic. This variant is not present in population databases (gnomAD no frequency). This sequence change replaces serine, which is neutral and polar, with tryptophan, which is neutral and slightly polar, at codon 615 of the SLC12A3 protein (p.Ser615Trp).

MVZ Martinsried, Medicover Genetics
Classification: Likely pathogenic for Familial hypokalemia-hypomagnesemia. Last evaluated: 2021-07-29. Review status: criteria provided, single submitter. Criteria: ACGS Guidelines, 2020. Collection method: clinical testing. Allele origin: unknown. Affected: yes.

Literature cited by the submitters: PubMed 12112667 (cited by Labcorp Genetics (formerly Invitae), Labcorp); PubMed 11168953 (cited by Labcorp Genetics (formerly Invitae), Labcorp); PubMed 20552229 (cited by Labcorp Genetics (formerly Invitae), Labcorp); PubMed 22728489 (cited by Labcorp Genetics (formerly Invitae), Labcorp); PubMed 27303630 (cited by Labcorp Genetics (formerly Invitae), Labcorp); PubMed 30596175 (cited by Labcorp Genetics (formerly Invitae), Labcorp).